The following is an entry in ClinVar:

NM_000135.4(FANCA):c.2602-13C>G

Genes: FANCA (FA complementation group A; minus strand), LOC130059837 (ATAC-STARR-seq lymphoblastoid active region 11420; plus strand). Cytogenetic location: 16q24.3.
Variant type: single nucleotide variant.
Coding change: c.2602-13C>G on transcript NM_000135.4 (MANE Select); 13 bases into the intron before coding-DNA position 2602, C replaced by G.
Molecular consequence: intron variant.
Genome position (GRCh38, 1-based): chr16:89,765,079, G>C on the plus strand (C>G on the coding strand, the complement: FANCA is on the minus strand). VCF-style: chr16-89765079-G-C. GRCh37 (hg19) VCF-style: chr16-89831487-G-C.
Other names: c.2602-13C>G (NM_001286167.3).
Identifiers: ClinVar variation 4721573 (VCV004721573.2).
Genomic context (GRCh38, chr16:89,765,079, plus strand): 5'-AAGAGGCTGTCGGGCCTCTGAGAACAATCTGAACATGAGGAACTGAAACTGAAACAGAGA[G>C]TGACCCGGCCGTTTCTTCATTGCGCAAGTTTCACTGTGAGTGGCTGAGCAAATGCTCAGG-3'

ClinVar aggregate classification (germline): Conflicting classifications of pathogenicity. Review status: criteria provided, conflicting classifications (1 of 4 stars). 2 submissions from 2 submitters: Likely pathogenic (1); Uncertain significance (1). Last evaluated 2025-08-24.

Conditions:
Fanconi anemia (FA). Also called: Fanconi's anemia. Identifiers: Orphanet 84, MedGen C0015625, MeSH D005199, MONDO:0019391.
FANCA-related disorders.

gnomAD v4.1: 1 of 1,613,898 alleles (0.000062%); highest among the groups gnomAD compares: Non-Finnish European, 0.000085%; no homozygotes.

Submissions (2):

Labcorp Genetics (formerly Invitae), Labcorp
Classification: Uncertain significance for Fanconi anemia. Last evaluated: 2025-08-24. Review status: criteria provided, single submitter. Criteria: Invitae Variant Classification Sherloc (09022015). Collection method: clinical testing. Allele origin: germline.
Comment: This sequence change falls in intron 27 of the FANCA gene. It does not directly change the encoded amino acid sequence of the FANCA protein. This variant is not present in population databases (gnomAD no frequency). This variant has not been reported in the literature in individuals affected with FANCA-related conditions. Algorithms developed to predict the effect of sequence changes on RNA splicing suggest that this variant may disrupt the consensus splice site. In summary, the available evidence is currently insufficient to determine the role of this variant in disease. Therefore, it has been classified as a Variant of Uncertain Significance.

Blueprint Genetics
Classification: Likely pathogenic for FANCA-related disorders. Last evaluated: 2019-02-21. Review status: criteria provided, single submitter. Criteria: ACMG Guidelines, 2015. Collection method: clinical testing. Allele origin: germline. Affected: yes. Observed: 1 variant allele.